The following is an entry in ClinVar:

NM_153252.5(BRWD3):c.3050G>C (p.Gly1017Ala)

Gene: BRWD3 (bromodomain and WD repeat domain containing 3; minus strand). Cytogenetic location: Xq21.1.
Variant type: single nucleotide variant.
Coding change: c.3050G>C on transcript NM_153252.5 (MANE Select); coding-DNA position 3050, G replaced by C.
Protein change: p.Gly1017Ala; replaces glycine 1017 with alanine.
Molecular consequence: missense variant.
Genome position (GRCh38, 1-based): chrX:80,696,757, C>G on the plus strand (G>C on the coding strand, the complement: BRWD3 is on the minus strand). VCF-style: chrX-80696757-C-G. GRCh37 (hg19) VCF-style: chrX-79952256-C-G.
Other names: short protein forms G1017A.
Identifiers: ClinVar variation 3391761 (VCV003391761.1).

ClinVar aggregate classification (germline): Uncertain significance (1 of 4 stars; one submission).

gnomAD v4.1: 2 of 1,210,544 alleles (0.00017%); highest among the groups gnomAD compares: Admixed American, 0.0022%; no homozygotes.

Submission:

GeneDx
Classification: Uncertain significance. Last evaluated: 2024-06-21. Review status: criteria provided, single submitter. Criteria: GeneDx Variant Classification Process June 2021. Collection method: clinical testing. Allele origin: germline. Affected: yes.
Comment: Not observed at significant frequency in large population cohorts (gnomAD); In silico analysis supports that this missense variant has a deleterious effect on protein structure/function; Has not been previously published as pathogenic or benign to our knowledge